The following is an entry in ClinVar:

ClinVar aggregate classification (germline): Benign. Review status: criteria provided, multiple submitters, no conflicts (2 of 4 stars). 3 submissions from 3 submitters: Benign (2). 1 of the submissions does not count toward it. Last evaluated 2018-07-17.

Allele frequency attached by ClinVar (database versions not stated): gnomAD exomes 0.01073 and 0.01694; ExAC 0.01836; gnomAD 0.03218 and 0.03299; ESP Exome Variant Server 0.03273; TOPMed 0.03481; 1000 Genomes Project 0.03674; 1000 Genomes Project 30x 0.03951.
gnomAD v4.1: 20,656 of 1,596,522 alleles (1.3%); highest among the groups gnomAD compares: African/African-American, 9.5%; 490 homozygotes.

Submissions (3):

GeneDx
Classification: Benign. Last evaluated: 2018-07-17. Review status: criteria provided, single submitter. Criteria: GeneDx Variant Classification Process June 2021. Collection method: clinical testing. Allele origin: germline. Affected: yes.

Breakthrough Genomics
Classification: Benign. Review status: criteria provided, single submitter. Criteria: ACMG Guidelines, 2015. Collection method: not provided. Allele origin: germline. Inheritance: Autosomal recessive inheritance. Affected: yes.

Genetic Services Laboratory, University of Chicago
Classification: Likely benign. Review status: no assertion criteria provided. Collection method: clinical testing. Allele origin: germline. Inheritance: Autosomal recessive inheritance. Not counted in ClinVar's aggregate classification.
Comment: Likely benign based on allele frequency in 1000 Genomes Project or ESP global frequency and its presence in a patient with a rare or unrelated disease phenotype. NOT Sanger confirmed

NM_001083961.2(WDR62):c.4153+37C>G

Gene: WDR62 (WD repeat domain 62; plus strand). Cytogenetic location: 19q13.12.
Variant type: single nucleotide variant.
Coding change: c.4153+37C>G on transcript NM_001083961.2 (MANE Select); 37 bases into the intron after coding-DNA position 4153, C replaced by G.
Molecular consequence: intron variant.
Genome position (GRCh38, 1-based): chr19:36,104,018, C>G. VCF-style: chr19-36104018-C-G. GRCh37 (hg19) VCF-style: chr19-36594920-C-G.
Other names: c.4138+37C>G (NM_173636.5).
Identifiers: ClinVar variation 160299 (VCV000160299.8), dbSNP rs58041656, ClinGen allele CA173940.